The following is an entry in ClinVar:

NM_004214.5(FIBP):c.935_938dup (p.Leu314fs)

Gene: FIBP (FGF1 intracellular binding protein; minus strand). Cytogenetic location: 11q13.1.
Variant type: Duplication.
Coding change: c.935_938dup on transcript NM_004214.5 (MANE Select); coding-DNA positions 935 to 938, 4 bases duplicated (GGCC; older notation c.935_938dupGGCC).
Protein change: p.Leu314fs; shifts the reading frame from leucine 314.
Molecular consequence: frameshift variant.
Genome position (GRCh38, 1-based): chr11:65,884,458-65,884,461, GGCC duplicated on the plus strand (GGCC on the coding strand, the reverse complement: FIBP is on the minus strand). VCF-style (leftmost placement, unchanged base first): chr11-65884457-T-TGGCC. GRCh37 (hg19) VCF-style: chr11-65651928-T-TGGCC.
Other names: c.956_959dup, p.Leu321fs (NM_198897.2); short protein forms L314fs, L321fs.
Identifiers: ClinVar variation 4685313 (VCV004685313.2).

ClinVar aggregate classification (germline): Uncertain significance (1 of 4 stars; one submission).

Submission:

GeneDx
Classification: Uncertain significance. Last evaluated: 2026-04-13. Review status: criteria provided, single submitter. Criteria: GeneDx Variant Classification Process June 2021. Collection method: clinical testing. Allele origin: germline.
Comment: Frameshift variant predicted to replace the last 44 amino acids with 44 different amino acids, with an unclear effect on protein function.; Not observed at significant frequency in large population cohorts (gnomAD); Has not been previously published as pathogenic or benign to our knowledge